The following is an entry in ClinVar:

ClinVar aggregate classification (germline): Uncertain significance (1 of 4 stars; one submission).

Submission:

GeneDx
Classification: Uncertain significance. Last evaluated: 2025-04-19. Review status: criteria provided, single submitter. Criteria: GeneDx Variant Classification Process June 2021. Collection method: clinical testing. Allele origin: germline. Affected: yes.
Comment: Not observed at significant frequency in large population cohorts (gnomAD); Frameshift variant predicted to result in protein truncation or nonsense mediated decay in a gene or region of a gene for which loss of function is not a well-established mechanism of disease; Has not been previously published as pathogenic or benign to our knowledge; Variants in candidate genes are classified as variants of uncertain significance in accordance with ACMG guidelines (PMID: 25741868)

NM_012433.4(SF3B1):c.895dup (p.Thr299fs)

Gene: SF3B1 (splicing factor 3b subunit 1; minus strand). Cytogenetic location: 2q33.1.
Variant type: Duplication.
Coding change: c.895dup on transcript NM_012433.4 (MANE Select); coding-DNA position 895, one base duplicated (A; older notation c.895dupA).
Protein change: p.Thr299fs; shifts the reading frame from threonine 299.
Molecular consequence: frameshift variant.
Genome position (GRCh38, 1-based): chr2:197,409,779, T duplicated on the plus strand (A on the coding strand, the reverse complement: SF3B1 is on the minus strand); the first of 4 consecutive T bases (chr2:197,409,779-197,409,782); duplicating any one gives the same sequence. VCF-style (leftmost placement, unchanged base first): chr2-197409778-G-GT. GRCh37 (hg19) VCF-style: chr2-198274502-G-GT.
Other names: short protein forms T299fs.
Identifiers: ClinVar variation 4755776 (VCV004755776.1).